The following is an entry in ClinVar:

NM_005430.4(WNT1):c.652T>G (p.Cys218Gly)

Gene: WNT1 (Wnt family member 1; plus strand). Cytogenetic location: 12q13.12.
Variant type: single nucleotide variant.
Coding change: c.652T>G on transcript NM_005430.4 (MANE Select); coding-DNA position 652, T replaced by G.
Protein change: p.Cys218Gly; replaces cysteine 218 with glycine.
Molecular consequence: missense variant.
Genome position (GRCh38, 1-based): chr12:48,981,179, T>G. VCF-style: chr12-48981179-T-G. GRCh37 (hg19) VCF-style: chr12-49374962-T-G.
Other names: short protein forms C218G.
Identifiers: ClinVar variation 50926 (VCV000050926.4), dbSNP rs397514702, ClinGen allele CA143875.

ClinVar aggregate classification (germline): Pathogenic. Review status: criteria provided, multiple submitters, no conflicts (2 of 4 stars). 3 submissions from 3 submitters: Pathogenic (2). 1 of the submissions does not count toward it. Last evaluated 2023-05-24.

Conditions:
Osteogenesis imperfecta type 15. Also called: OI, TYPE XV; WNT1-related osteogenesis imperfecta; Osteogenesis imperfecta, type xv. Identifiers: Orphanet 666, MedGen C3808844, MONDO:0014086, OMIM 615220.
OSTEOPOROSIS, EARLY-ONSET, SUSCEPTIBILITY TO (BMND16). Also called: Bone mineral density quantitative trait locus 16. Identifiers: Orphanet 85193, MedGen C3714945, OMIM 615221.
WNT1-related disorder. Also called: WNT1-related condition.

Allele frequency attached by ClinVar (database versions not stated): gnomAD 0.00001; ExAC 0.00002; gnomAD exomes 0.00003 and 0.00005.
gnomAD v4.1: 18 of 1,611,692 alleles (0.0011%); no homozygotes.

Submissions (3):

Blueprint Genetics
Classification: Pathogenic for WNT1-related disorders. Last evaluated: 2023-05-24. Review status: criteria provided, single submitter. Criteria: ACMG Guidelines, 2015. Collection method: clinical testing. Allele origin: germline. Affected: yes. Observed: 5 variant alleles.

Juno Genomics, Hangzhou Juno Genomics, Inc
Classification: Pathogenic for OSTEOPOROSIS, EARLY-ONSET, SUSCEPTIBILITY TO; Osteogenesis imperfecta type 15. Review status: criteria provided, single submitter. Criteria: ACMG Guidelines, 2015. Collection method: clinical testing. Allele origin: germline.
Comment: Absent from controls (or at extremely low frequency if recessive) in Genome Aggregation Database.;Multiple lines of computational evidence support a deleterious effect on the gene or gene product.;The prevalence of the variant in affected individuals is significantly increased compared to the prevalence in controls.;Co-segregation with disease in multiple affected family members.

OMIM
Classification: risk factor for OSTEOPOROSIS, EARLY-ONSET, SUSCEPTIBILITY TO. Last evaluated: 2013-05-09. Review status: no assertion criteria provided. Collection method: literature only. Allele origin: germline. Not counted in ClinVar's aggregate classification.

Literature cited by the submitters: PubMed 23656646 (cited by OMIM).